The following is an entry in ClinVar:

ClinVar aggregate classification (germline): Uncertain significance (1 of 4 stars; one submission).

Conditions:
SMARCC1-related disorder. Also called: SMARCC1-related condition.

gnomAD v4.1: 1 of 1,613,704 alleles (0.000062%); highest among the groups gnomAD compares: Non-Finnish European, 0.000085%; no homozygotes.

Submission:

PreventionGenetics, part of Exact Sciences
Classification: Uncertain significance for SMARCC1-related condition. Last evaluated: 2026-08-19. Review status: criteria provided, single submitter. Criteria: ACMG Guidelines, 2015. Collection method: clinical testing. Allele origin: germline.
Comment: The SMARCC1 c.908A>C variant is predicted to result in the amino acid substitution p.Lys303Thr. To our knowledge, this variant has not been reported in the literature or in a large population database (gnomAD), indicating this variant is rare. At this time, the clinical significance of this variant is uncertain due to the absence of conclusive functional and genetic evidence.

NM_003074.4(SMARCC1):c.908A>C (p.Lys303Thr)

Gene: SMARCC1 (SWI/SNF related BAF chromatin remodeling complex subunit C1; minus strand). Cytogenetic location: 3p21.31.
Variant type: single nucleotide variant.
Coding change: c.908A>C on transcript NM_003074.4 (MANE Select); coding-DNA position 908, A replaced by C.
Protein change: p.Lys303Thr; replaces lysine 303 with threonine.
Molecular consequence: missense variant.
Genome position (GRCh38, 1-based): chr3:47,710,693, T>G on the plus strand (A>C on the coding strand, the complement: SMARCC1 is on the minus strand). VCF-style: chr3-47710693-T-G. GRCh37 (hg19) VCF-style: chr3-47752183-T-G.
Other names: short protein forms K303T.
Identifiers: ClinVar variation 4992986 (VCV004992986.1).